The following is an entry in ClinVar:

ClinVar aggregate classification (germline): Uncertain significance. Review status: criteria provided, multiple submitters, no conflicts (2 of 4 stars). 5 submissions from 5 submitters: Uncertain significance (5). Last evaluated 2026-03-11.

Conditions:
Myopathy, myofibrillar, 9, with early respiratory failure (MFM9). Also called: Myopathy, distal, with early respiratory failure, autosomal dominant; Hereditary myopathy with early respiratory failure; EDSTROM MYOPATHY; MYOPATHY, PROXIMAL, WITH EARLY RESPIRATORY MUSCLE INVOLVEMENT. Identifiers: Orphanet 178464, Orphanet 34521, MedGen C1863599, MONDO:0011362, OMIM 603689.
Dilated cardiomyopathy 1G (CMD1G). Identifiers: Orphanet 154, MedGen C1858763, MONDO:0011400, OMIM 604145.
Early-onset myopathy with fatal cardiomyopathy (CMYO5). Also called: CONGENITAL MYOPATHY 5 WITH CARDIOMYOPATHY; Salih Myopathy. Identifiers: Orphanet 289377, MedGen C2673677, MONDO:0012714, OMIM 611705. Disease mechanism: loss of function.
Hypertrophic cardiomyopathy 9. Also called: Familial hypertrophic cardiomyopathy 9. Identifiers: MedGen C1861065, MONDO:0013412, OMIM 613765.
Autosomal recessive limb-girdle muscular dystrophy type 2J (LGMDR10). Also called: MUSCULAR DYSTROPHY, LIMB-GIRDLE, AUTOSOMAL RECESSIVE 10; Limb-girdle muscular dystrophy, type 2J. Identifiers: Orphanet 140922, MedGen C1837342, MONDO:0012127, OMIM 608807.
Tibial muscular dystrophy (TMD). Also called: Tibial muscular dystrophy, tardive; Udd Distal Myopathy – Tibial Muscular Dystrophy; UDD MYOPATHY. Identifiers: Orphanet 609, MedGen C1838244, MONDO:0010870, OMIM 600334.
Cardiovascular phenotype. Identifiers: MedGen CN230736.
TTN-related disorder. Also called: TTN-related condition; TTN-related disease; TTN-related disorders.

Allele frequency attached by ClinVar (database versions not stated): gnomAD exomes below 0.00001; gnomAD 0.00003 and 0.00005; TOPMed 0.00004.
gnomAD v4.1: 8 of 1,613,910 alleles (0.0005%); highest among the groups gnomAD compares: African/African-American, 0.0093%; no homozygotes.

Submissions (5):

PreventionGenetics, part of Exact Sciences
Classification: Uncertain significance for TTN-related condition. Last evaluated: 2026-03-11. Review status: criteria provided, single submitter. Criteria: ACMG Guidelines, 2015. Collection method: clinical testing. Allele origin: germline.
Comment: The TTN c.3148A>G variant is predicted to result in the amino acid substitution p.Thr1050Ala. To our knowledge, this variant has not been reported in the literature. This variant is reported in 0.0040% of alleles in individuals of African descent in gnomAD. At this time, the clinical significance of this variant is uncertain due to the absence of conclusive functional and genetic evidence.

Fulgent Genetics
Classification: Uncertain significance for Tibial muscular dystrophy; Myopathy, myofibrillar, 9, with early respiratory failure; Dilated cardiomyopathy 1G; Autosomal recessive limb-girdle muscular dystrophy type 2J; Early-onset myopathy with fatal cardiomyopathy; Hypertrophic cardiomyopathy 9. Last evaluated: 2022-02-04. Review status: criteria provided, single submitter. Criteria: ACMG Guidelines, 2015. Collection method: clinical testing. Allele origin: unknown.

ARUP Laboratories, Molecular Genetics and Genomics, ARUP Laboratories
Classification: Uncertain significance. Last evaluated: 2020-08-11. Review status: criteria provided, single submitter. Criteria: ARUP Molecular Germline Variant Investigation Process. Collection method: clinical testing. Allele origin: germline.
Comment: The TTN c.3148A>G; p.Thr1050Ala variant (rs940553223; ClinVar Variation ID: 597553) is rare in the general population (<0.2% allele frequency in the Genome Aggregation Database) and has not been reported in the medical literature in association with dilated cardiomyopathy (DCM) or other TTN-related disease. The clinical relevance of rare missense variants in this gene, which are identified on average once per individual sequenced in affected populations (Herman 2012), is not well understood. Yet, evidence suggests that the vast majority of such missense variants do not contribute to the clinical outcome of DCM (Begay 2015). Thus, the clinical significance of the p.Thr1050Ala variant cannot be determined with certainty.

Ambry Genetics
Classification: Uncertain significance for Cardiovascular phenotype. Last evaluated: 2019-05-06. Review status: criteria provided, single submitter. Criteria: Ambry Variant Classification Scheme 2023. Collection method: clinical testing. Allele origin: germline.
Comment: The p.T1004A variant (also known as c.3010A>G), located in coding exon 17 of the TTN gene, results from an A to G substitution at nucleotide position 3010. The threonine at codon 1004 is replaced by alanine, an amino acid with similar properties. This amino acid position is not well conserved in available vertebrate species, and alanine is the reference amino acid in other vertebrate species. In addition, this alteration is predicted to be tolerated by in silico analysis. Since supporting evidence is limited at this time, the clinical significance of this alteration remains unclear.

Eurofins Ntd Llc (ga)
Classification: Uncertain significance. Last evaluated: 2018-06-15. Review status: criteria provided, single submitter. Criteria: EGL ClinVar v180209 classification definitions. Collection method: clinical testing. Allele origin: germline. Observed: 1 variant allele, 1 heterozygote.

NM_001267550.2(TTN):c.3148A>G (p.Thr1050Ala)

Gene: TTN (titin; minus strand). Cytogenetic location: 2q31.2.
Variant type: single nucleotide variant.
Coding change: c.3148A>G on transcript NM_001267550.2 (MANE Select); coding-DNA position 3148, A replaced by G.
Protein change: p.Thr1050Ala; replaces threonine 1050 with alanine.
Molecular consequence: missense variant.
Genome position (GRCh38, 1-based): chr2:178,782,555, T>C on the plus strand (A>G on the coding strand, the complement: TTN is on the minus strand). VCF-style: chr2-178782555-T-C. GRCh37 (hg19) VCF-style: chr2-179647282-T-C.
Other names: c.3148A>G, p.Thr1050Ala (NM_001256850.1, NM_133378.4, NM_133379.5); c.3010A>G, p.Thr1004Ala (NM_003319.4, NM_133432.3, NM_133437.4); short protein forms T1050A, T1004A.
Identifiers: ClinVar variation 597553 (VCV000597553.16), dbSNP rs940553223, ClinGen allele CA60981011.